The following is an entry in ClinVar:

ClinVar aggregate classification (germline): Likely pathogenic (1 of 4 stars; one submission).

Submission:

Genetic Services Laboratory, University of Chicago
Classification: Likely pathogenic. Last evaluated: 2023-12-19. Review status: criteria provided, single submitter. Criteria: ACMG Guidelines, 2015. Collection method: clinical testing. Allele origin: germline. Affected: yes.
Comment: DNA sequence analysis of the EVC gene demonstrated a sequence change, c.2158C>T, which results in the creation of a premature stop codon at amino acid position 720, p.Gln720*. This sequence change is predicted to result in an abnormal transcript, which may be degraded, or may lead to the production of a truncated EVC protein with potentially abnormal function. This sequence change has not been described in population databases such as ExAC and gnomAD. This sequence change has previously not been described in individuals with Ellis-van Creveld syndrome; however, other truncating variants in this gene have been described with EVS-related disorders (PMID: 23220543, 17024374, 10700184). These collective evidences indicate that this sequence change is pathogenic, however functional studies have not been performed to prove this conclusively.

NM_153717.3(EVC):c.2158C>T (p.Gln720Ter)

Gene: EVC (EvC ciliary complex subunit 1; plus strand). Cytogenetic location: 4p16.2.
Variant type: single nucleotide variant.
Coding change: c.2158C>T on transcript NM_153717.3 (MANE Select); coding-DNA position 2158, C replaced by T.
Protein change: p.Gln720Ter; replaces glutamine 720 with a stop codon.
Molecular consequence: nonsense.
Genome position (GRCh38, 1-based): chr4:5,798,646, C>T. VCF-style: chr4-5798646-C-T. GRCh37 (hg19) VCF-style: chr4-5800373-C-T.
Other names: c.2158C>T, p.Gln720Ter (NM_001306090.2); short protein forms Q720*.
Identifiers: ClinVar variation 4082429 (VCV004082429.2).